The following is an entry in ClinVar:

ClinVar aggregate classification (germline): Uncertain significance (1 of 4 stars; one submission).

Submission:

Labcorp Genetics (formerly Invitae), Labcorp
Classification: Uncertain significance. Last evaluated: 2021-09-17. Review status: criteria provided, single submitter. Criteria: Invitae Variant Classification Sherloc (09022015). Collection method: clinical testing. Allele origin: germline.
Comment: This variant is not present in population databases (ExAC no frequency). This sequence change replaces asparagine with lysine at codon 576 of the CLCN7 protein (p.Asn576Lys). The asparagine residue is moderately conserved and there is a moderate physicochemical difference between asparagine and lysine. This variant has not been reported in the literature in individuals affected with CLCN7-related conditions. Algorithms developed to predict the effect of missense changes on protein structure and function are either unavailable or do not agree on the potential impact of this missense change (SIFT: "Tolerated"; PolyPhen-2: "Possibly Damaging"; Align-GVGD: "Class C0"). In summary, the available evidence is currently insufficient to determine the role of this variant in disease. Therefore, it has been classified as a Variant of Uncertain Significance.

NM_001287.6(CLCN7):c.1728C>A (p.Asn576Lys)

Gene: CLCN7 (chloride voltage-gated channel 7; minus strand). Cytogenetic location: 16p13.3.
Variant type: single nucleotide variant.
Coding change: c.1728C>A on transcript NM_001287.6 (MANE Select); coding-DNA position 1728, C replaced by A.
Protein change: p.Asn576Lys; replaces asparagine 576 with lysine.
Molecular consequence: missense variant.
Genome position (GRCh38, 1-based): chr16:1,449,035, G>T on the plus strand (C>A on the coding strand, the complement: CLCN7 is on the minus strand). VCF-style: chr16-1449035-G-T. GRCh37 (hg19) VCF-style: chr16-1499036-G-T.
Other names: c.1656C>A, p.Asn552Lys (NM_001114331.3); short protein forms N552K, N576K.
Identifiers: ClinVar variation 1519759 (VCV001519759.6), dbSNP rs772664007, ClinGen allele CA394186741.
Genomic context (GRCh38, chr16:1,449,035, plus strand): 5'-GACGTCGCCCACGATCTTGGCGGTCATGAGCACCAGCATGATGGGGAAGCCGTAGGTCAC[G>T]TTGCTGGTGGCCTCCATCATGATGACGGTCAGGCTCAGTGTCATCCGCACAATCCCGCCT-3'
Protein context (NP_001278.1, residues 566-586): LTVIMMEATS[Asn576Lys]VTYGFPIMLV